The following is an entry in ClinVar:

NM_182641.4(BPTF):c.2358A>G (p.Gln786=)

Gene: BPTF (bromodomain PHD finger transcription factor; plus strand). Cytogenetic location: 17q24.2.
Variant type: single nucleotide variant.
Coding change: c.2358A>G on transcript NM_182641.4 (MANE Select); coding-DNA position 2358, A replaced by G.
Protein change: p.Gln786=; no amino-acid change (glutamine 786 retained).
Molecular consequence: synonymous variant.
Genome position (GRCh38, 1-based): chr17:67,893,672, A>G. VCF-style: chr17-67893672-A-G. GRCh37 (hg19) VCF-style: chr17-65889788-A-G.
Other names: c.2736A>G, p.Gln912= (NM_004459.7).
Identifiers: ClinVar variation 3898232 (VCV003898232.7).

ClinVar aggregate classification (germline): Likely benign (1 of 4 stars; one submission).

gnomAD v4.1: 56 of 1,611,410 alleles (0.0035%); highest among the groups gnomAD compares: African/African-American, 0.04%; no homozygotes.

Submission:

CeGaT Center for Human Genetics Tuebingen
Classification: Likely benign. Last evaluated: 2025-04-01. Review status: criteria provided, single submitter. Criteria: CeGaT Center For Human Genetics Tuebingen Variant Classification Criteria Version 2. Collection method: clinical testing. Allele origin: germline. Affected: yes. Observed: 1 variant allele.
Comment: BPTF: BP4, BP7